The following is an entry in ClinVar:

ClinVar aggregate classification (germline): Conflicting classifications of pathogenicity. Review status: criteria provided, conflicting classifications (1 of 4 stars). 3 submissions from 3 submitters: Likely pathogenic (1); Uncertain significance (1). 1 of the submissions does not count toward it. Last evaluated 2025-09-18.

Conditions:
Finnish congenital nephrotic syndrome (NPHS1). Also called: NEPHROTIC SYNDROME, TYPE 1. Identifiers: Orphanet 839, MedGen C0403399, MONDO:0009732, OMIM 256300.

gnomAD v4.1: 1 of 1,607,056 alleles (0.000062%); highest among the groups gnomAD compares: South Asian, 0.0011%; no homozygotes.

Submissions (3):

Myriad Genetics, Inc.
Classification: Uncertain significance for Finnish congenital nephrotic syndrome. Last evaluated: 2025-09-18. Review status: criteria provided, single submitter. Criteria: Myriad Autosomal Dominant, Autosomal Recessive and X-Linked Classification Criteria (2023). Collection method: clinical testing. Allele origin: unknown.
Comment: NM_004646.3(NPHS1):c.2206G>A(V736M) is a missense variant classified as a variant of uncertain significance in the context of nephrotic syndrome, NPHS1-related. V736M has been observed in cases with relevant disease (PMID: 26560236, 35064937). Relevant functional assessments of this variant are not available in the literature. V736M has not been observed in referenced population frequency databases. In summary, there is insufficient evidence to classify NM_004646.3(NPHS1):c.2206G>A(V736M) as pathogenic or benign. Please note: this variant was assessed in the context of healthy population screening.

Baylor Genetics
Classification: Likely pathogenic for Finnish congenital nephrotic syndrome. Last evaluated: 2024-02-12. Review status: criteria provided, single submitter. Criteria: ACMG Guidelines, 2015. Collection method: clinical testing. Allele origin: unknown.

Foundation for Research in Genetics and Endocrinology, FRIGE's Institute of Human Genetics
Classification: Pathogenic for Finnish congenital nephrotic syndrome. Last evaluated: 2017-01-06. Review status: no assertion criteria provided. Collection method: clinical testing. Allele origin: germline. Inheritance: Autosomal recessive inheritance. Affected: yes. Observed: 1 variant allele, 1 homozygote. Not counted in ClinVar's aggregate classification.
Comment: The observed variant is not reported in 1000 Genomes database and is likely to be pathogenic by online software like Mutation taster, Polyphen2 and SIFT.

Literature cited by the submitters: PubMed 26560236 (cited by Myriad Genetics, Inc.); PubMed 35064937 (cited by Myriad Genetics, Inc.).

NM_004646.4(NPHS1):c.2206G>A (p.Val736Met)

Gene: NPHS1 (NPHS1 adhesion molecule, nephrin; minus strand). Cytogenetic location: 19q13.12.
Variant type: single nucleotide variant.
Coding change: c.2206G>A on transcript NM_004646.4 (MANE Select); coding-DNA position 2206, G replaced by A.
Protein change: p.Val736Met; replaces valine 736 with methionine.
Molecular consequence: missense variant.
Genome position (GRCh38, 1-based): chr19:35,844,109, C>T on the plus strand (G>A on the coding strand, the complement: NPHS1 is on the minus strand). VCF-style: chr19-35844109-C-T. GRCh37 (hg19) VCF-style: chr19-36335011-C-T.
Other names: short protein forms V736M.
Identifiers: ClinVar variation 430877 (VCV000430877.4), dbSNP rs1131692245, ClinGen allele CA405397157.